The following is an entry in ClinVar:

ClinVar aggregate classification (germline): Uncertain significance (1 of 4 stars; one submission).

Submission:

Labcorp Genetics (formerly Invitae), Labcorp
Classification: Uncertain significance. Last evaluated: 2025-02-17. Review status: criteria provided, single submitter. Criteria: Invitae Variant Classification Sherloc (09022015). Collection method: clinical testing. Allele origin: germline.
Comment: This sequence change replaces glycine, which is neutral and non-polar, with glutamic acid, which is acidic and polar, at codon 73 of the SLC7A9 protein (p.Gly73Glu). This variant is not present in population databases (gnomAD no frequency). This variant has not been reported in the literature in individuals affected with SLC7A9-related conditions. ClinVar contains an entry for this variant (Variation ID: 1966810). Invitae Evidence Modeling of protein sequence and biophysical properties (such as structural, functional, and spatial information, amino acid conservation, physicochemical variation, residue mobility, and thermodynamic stability) indicates that this missense variant is expected to disrupt SLC7A9 protein function with a positive predictive value of 80%. This variant disrupts the p.Gly73 amino acid residue in SLC7A9. Other variant(s) that disrupt this residue have been determined to be pathogenic (PMID: 23532419). This suggests that this residue is clinically significant, and that variants that disrupt this residue are likely to be disease-causing. In summary, the available evidence is currently insufficient to determine the role of this variant in disease. Therefore, it has been classified as a Variant of Uncertain Significance.

Literature cited by the submitters: PubMed 23532419.

NM_014270.5(SLC7A9):c.218G>A (p.Gly73Glu)

Gene: SLC7A9 (solute carrier family 7 member 9; minus strand). Cytogenetic location: 19q13.11.
Variant type: single nucleotide variant.
Coding change: c.218G>A on transcript NM_014270.5 (MANE Select); coding-DNA position 218, G replaced by A.
Protein change: p.Gly73Glu; replaces glycine 73 with glutamic acid.
Molecular consequence: missense variant.
Genome position (GRCh38, 1-based): chr19:32,864,646, C>T on the plus strand (G>A on the coding strand, the complement: SLC7A9 is on the minus strand). VCF-style: chr19-32864646-C-T. GRCh37 (hg19) VCF-style: chr19-33355552-C-T.
Other names: c.218G>A, p.Gly73Glu (NM_001126335.2, NM_001243036.2); short protein forms G73E.
Identifiers: ClinVar variation 1966810 (VCV001966810.5), dbSNP rs2513609821, ClinGen allele CA405204233.